The following is an entry in ClinVar:

ClinVar aggregate classification (germline): Uncertain significance. Review status: criteria provided, single submitter (1 of 4 stars). 2 submissions from 2 submitters: Uncertain significance (1). 1 of the submissions does not count toward it. Last evaluated 2025-08-07.

Conditions:
FSIP2-related disorder. Also called: FSIP2-related condition.

Allele frequency attached by ClinVar (database versions not stated): TOPMed 0.00295; 1000 Genomes Project 0.00379; 1000 Genomes Project 30x 0.00422.
gnomAD v4.1: 852 of 1,533,188 alleles (0.056%); highest among the groups gnomAD compares: African/African-American, 0.96%; 4 homozygotes.

Submissions (2):

Ambry Genetics
Classification: Uncertain significance. Last evaluated: 2025-08-07. Review status: criteria provided, single submitter. Criteria: Ambry Variant Classification Scheme 2023. Collection method: clinical testing. Allele origin: germline.

PreventionGenetics, part of Exact Sciences
Classification: Benign for FSIP2-related condition. Last evaluated: 2019-06-18. Review status: no assertion criteria provided. Collection method: clinical testing. Allele origin: germline. Not counted in ClinVar's aggregate classification.
Comment: This variant is classified as benign based on ACMG/AMP sequence variant interpretation guidelines (Richards et al. 2015 PMID: 25741868, with internal and published modifications).

NM_173651.4(FSIP2):c.10865A>G (p.Asp3622Gly)

Gene: FSIP2 (fibrous sheath interacting protein 2; plus strand). Cytogenetic location: 2q32.1.
Variant type: single nucleotide variant.
Coding change: c.10865A>G on transcript NM_173651.4 (MANE Select); coding-DNA position 10865, A replaced by G.
Protein change: p.Asp3622Gly; replaces aspartic acid 3622 with glycine.
Molecular consequence: missense variant.
Genome position (GRCh38, 1-based): chr2:185,800,171, A>G. VCF-style: chr2-185800171-A-G. GRCh37 (hg19) VCF-style: chr2-186664898-A-G.
Other names: c.11132A>G (NM_173651.2); short protein forms D3622G.
Identifiers: ClinVar variation 3034005 (VCV003034005.3), dbSNP rs114699838, ClinGen allele CA2016930.